The following is an entry in ClinVar:

ClinVar aggregate classification (germline): Uncertain significance (1 of 4 stars; one submission).

Conditions:
Progressive myoclonic epilepsy type 5. Identifiers: Orphanet 402082, MedGen C5190799.

gnomAD v4.1: 6 of 1,614,072 alleles (0.00037%); highest among the groups gnomAD compares: Middle Eastern, 0.016%; no homozygotes.

Submission:

Labcorp Genetics (formerly Invitae), Labcorp
Classification: Uncertain significance for Progressive myoclonic epilepsy type 5. Last evaluated: 2024-04-08. Review status: criteria provided, single submitter. Criteria: Invitae Variant Classification Sherloc (09022015). Collection method: clinical testing. Allele origin: germline.
Comment: This sequence change replaces glycine, which is neutral and non-polar, with arginine, which is basic and polar, at codon 127 of the PRICKLE2 protein (p.Gly127Arg). This variant is present in population databases (no rsID available, gnomAD no frequency). This variant has not been reported in the literature in individuals affected with PRICKLE2-related conditions. Advanced modeling of protein sequence and biophysical properties (such as structural, functional, and spatial information, amino acid conservation, physicochemical variation, residue mobility, and thermodynamic stability) performed at Invitae indicates that this missense variant is not expected to disrupt PRICKLE2 protein function with a negative predictive value of 80%. In summary, the available evidence is currently insufficient to determine the role of this variant in disease. Therefore, it has been classified as a Variant of Uncertain Significance.

NM_198859.4(PRICKLE2):c.379G>A (p.Gly127Arg)

Gene: PRICKLE2 (prickle planar cell polarity protein 2; minus strand). Cytogenetic location: 3p14.1.
Variant type: single nucleotide variant.
Coding change: c.379G>A on transcript NM_198859.4 (MANE Select); coding-DNA position 379, G replaced by A.
Protein change: p.Gly127Arg; replaces glycine 127 with arginine.
Molecular consequence: missense variant.
Genome position (GRCh38, 1-based): chr3:64,159,957, C>T on the plus strand (G>A on the coding strand, the complement: PRICKLE2 is on the minus strand). VCF-style: chr3-64159957-C-T. GRCh37 (hg19) VCF-style: chr3-64145633-C-T.
Other names: c.379G>A, p.Gly127Arg (NM_001370528.1); short protein forms G127R.
Identifiers: ClinVar variation 3706222 (VCV003706222.2).